The following is an entry in ClinVar:

ClinVar aggregate classification (germline): Likely benign (1 of 4 stars; one submission).

Submission:

CeGaT Center for Human Genetics Tuebingen
Classification: Likely benign. Last evaluated: 2026-07-01. Review status: criteria provided, single submitter. Criteria: CeGaT Center For Human Genetics Tuebingen Variant Classification Criteria Version 2. Collection method: clinical testing. Allele origin: germline. Affected: yes. Observed: 1 variant allele.
Comment: MYH6: BS1

NC_000014.9:g.23408587C>T

Genes: MYH6 (myosin heavy chain 6; minus strand), LOC114827851 (VISTA enhancer hs2155; plus strand). Cytogenetic location: 14q11.2.
Variant type: single nucleotide variant.
Genome position: GRCh38 VCF-style: chr14-23408587-C-T. GRCh37 (hg19) VCF-style: chr14-23877796-C-T.
Identifiers: ClinVar variation 5039801 (VCV005039801.1).